The following is an entry in ClinVar:

ClinVar aggregate classification (germline): Uncertain significance (1 of 4 stars; one submission).

Submission:

GeneDx
Classification: Uncertain significance. Last evaluated: 2025-04-14. Review status: criteria provided, single submitter. Criteria: GeneDx Variant Classification Process June 2021. Collection method: clinical testing. Allele origin: germline. Affected: yes.
Comment: Published functional studies suggest a damaging effect (PMID: 34188164); In silico analysis supports that this missense variant has a deleterious effect on protein structure/function; This variant is associated with the following publications: (PMID: 34188164)

NM_006160.4(NEUROD2):c.804C>A (p.His268Gln)

Gene: NEUROD2 (neuronal differentiation 2; minus strand). Cytogenetic location: 17q12.
Variant type: single nucleotide variant.
Coding change: c.804C>A on transcript NM_006160.4 (MANE Select); coding-DNA position 804, C replaced by A.
Protein change: p.His268Gln; replaces histidine 268 with glutamine.
Molecular consequence: missense variant.
Genome position (GRCh38, 1-based): chr17:39,605,796, G>T on the plus strand (C>A on the coding strand, the complement: NEUROD2 is on the minus strand). VCF-style: chr17-39605796-G-T. GRCh37 (hg19) VCF-style: chr17-37762049-G-T.
Other names: short protein forms H268Q.
Identifiers: ClinVar variation 4282433 (VCV004282433.1).